The following is an entry in ClinVar:

ClinVar aggregate classification (germline): Uncertain significance (1 of 4 stars; one submission).

Submission:

Women's Health and Genetics/Laboratory Corporation of America, LabCorp
Classification: Uncertain significance. Last evaluated: 2026-04-07. Review status: criteria provided, single submitter. Criteria: LabCorp Variant Classification Summary - May 2015. Collection method: clinical testing. Allele origin: germline.
Comment: Variant summary: SGCB c.415G>A (p.Gly139Ser) results in a non-conservative amino acid change in the encoded protein sequence. Algorithms developed to predict the effect of missense changes on protein structure and function all suggest that this variant is likely to be disruptive. The variant allele was found at a frequency of 4e-06 in 251438 control chromosomes. The available data on variant occurrences in the general population are insufficient to allow any conclusion about variant significance. To our knowledge, no occurrence of c.415G>A in individuals affected with SGCB-related conditions and no experimental evidence demonstrating its impact on protein function have been reported. No submitters have cited clinical-significance assessments for this variant to ClinVar. Based on the evidence outlined above, the variant was classified as uncertain significance.

NM_000232.5(SGCB):c.415G>A (p.Gly139Ser)

Gene: SGCB (sarcoglycan beta; minus strand). Cytogenetic location: 4q12.
Variant type: single nucleotide variant.
Coding change: c.415G>A on transcript NM_000232.5 (MANE Select); coding-DNA position 415, G replaced by A.
Protein change: p.Gly139Ser; replaces glycine 139 with serine.
Molecular consequence: missense variant.
Genome position (GRCh38, 1-based): chr4:52,029,692, C>T on the plus strand (G>A on the coding strand, the complement: SGCB is on the minus strand). VCF-style: chr4-52029692-C-T. GRCh37 (hg19) VCF-style: chr4-52895858-C-T.
Other names: c.205G>A, p.Gly69Ser (NM_001440519.1); c.118G>A, p.Gly40Ser (NM_001440520.1); short protein forms G139S, G40S, G69S.
Identifiers: ClinVar variation 4848826 (VCV004848826.1).